The following is an entry in ClinVar:

ClinVar aggregate classification (germline): Conflicting classifications of pathogenicity. Review status: criteria provided, conflicting classifications (1 of 4 stars). 2 submissions from 2 submitters: Uncertain significance (1); Likely benign (1). Last evaluated 2025-10-07.

Allele frequency attached by ClinVar (database versions not stated): gnomAD 0.00003; ExAC 0.00004.

Submissions (2):

Athena Diagnostics
Classification: Likely benign. Last evaluated: 2025-10-07. Review status: criteria provided, single submitter. Criteria: Athena Diagnostics Criteria. Collection method: clinical testing. Allele origin: unknown.
Comment: The frequency of this variant in the general population is higher than would generally be expected for pathogenic variants in this gene.

Labcorp Genetics (formerly Invitae), Labcorp
Classification: Uncertain significance. Last evaluated: 2024-10-15. Review status: criteria provided, single submitter. Criteria: Invitae Variant Classification Sherloc (09022015). Collection method: clinical testing. Allele origin: germline.
Comment: This sequence change replaces aspartic acid, which is acidic and polar, with asparagine, which is neutral and polar, at codon 160 of the TGM6 protein (p.Asp160Asn). This variant is present in population databases (rs758286096, gnomAD 0.02%). This variant has not been reported in the literature in individuals affected with TGM6-related conditions. ClinVar contains an entry for this variant (Variation ID: 2189009). Invitae Evidence Modeling of protein sequence and biophysical properties (such as structural, functional, and spatial information, amino acid conservation, physicochemical variation, residue mobility, and thermodynamic stability) indicates that this missense variant is not expected to disrupt TGM6 protein function with a negative predictive value of 80%. In summary, the available evidence is currently insufficient to determine the role of this variant in disease. Therefore, it has been classified as a Variant of Uncertain Significance.

Literature cited by the submitters: PubMed 33432171 (cited by Athena Diagnostics).

NM_198994.3(TGM6):c.478G>A (p.Asp160Asn)

Gene: TGM6 (transglutaminase 6; plus strand). Cytogenetic location: 20p13.
Variant type: single nucleotide variant.
Coding change: c.478G>A on transcript NM_198994.3 (MANE Select); coding-DNA position 478, G replaced by A.
Protein change: p.Asp160Asn; replaces aspartic acid 160 with asparagine.
Molecular consequence: missense variant.
Genome position (GRCh38, 1-based): chr20:2,396,559, G>A. VCF-style: chr20-2396559-G-A. GRCh37 (hg19) VCF-style: chr20-2377205-G-A.
Other names: c.478G>A, p.Asp160Asn (NM_001254734.2); c.478G>A (NM_198994.2); short protein forms D160N.
Identifiers: ClinVar variation 2189009 (VCV002189009.5), dbSNP rs758286096, ClinGen allele CA9731666.